The following is an entry in ClinVar:

ClinVar aggregate classification (germline): Benign/Likely benign. Review status: criteria provided, multiple submitters, no conflicts (2 of 4 stars). 12 submissions from 11 submitters: Benign (5); Likely benign (4). 3 of the submissions do not count toward it. Last evaluated 2026-02-04.

Conditions:
Xeroderma pigmentosum group A (XPA). Also called: Xeroderma pigmentosum, complementation group A; XP, group A; XPA-Related Xeroderma Pigmentosum. Identifiers: Orphanet 910, MedGen C0268135, MONDO:0010210, OMIM 278700.
Xeroderma pigmentosum, group C (XPC). Also called: Xeroderma pigmentosum, complementation group C; XERODERMA PIGMENTOSUM III; XP, GROUP C; XPC-Related Xeroderma Pigmentosum. Identifiers: Orphanet 910, MedGen C2752147, MONDO:0010211, OMIM 278720.

Allele frequency attached by ClinVar (database versions not stated): gnomAD 0.02104 and 0.02177; ESP Exome Variant Server 0.02130; gnomAD exomes 0.02151 and 0.02801; ExAC 0.02954; 1000 Genomes Project 0.00998; 1000 Genomes Project 30x 0.01109; TOPMed 0.01749.

Submissions (12):

Labcorp Genetics (formerly Invitae), Labcorp
Classification: Benign. Last evaluated: 2026-02-04. Review status: criteria provided, single submitter. Criteria: Invitae Variant Classification Sherloc (09022015). Collection method: clinical testing. Allele origin: germline.

KCCC/NGS Laboratory, Kuwait Cancer Control Center
Classification: Benign for Xeroderma pigmentosum, group C. Last evaluated: 2025-02-01. Review status: criteria provided, single submitter. Criteria: ACMG Guidelines, 2015. Collection method: clinical testing. Allele origin: germline. Affected: no.

Blueprint Genetics
Classification: Likely benign. Last evaluated: 2024-11-26. Review status: criteria provided, single submitter. Criteria: ACMG Guidelines, 2015. Collection method: clinical testing. Allele origin: germline.

KCCC/NGS Laboratory, Kuwait Cancer Control Center
Classification: Likely benign for Xeroderma pigmentosum group A. Last evaluated: 2023-07-07. Review status: criteria provided, single submitter. Criteria: ACMG Guidelines, 2015. Collection method: clinical testing. Allele origin: germline. Affected: yes.

Women's Health and Genetics/Laboratory Corporation of America, LabCorp
Classification: Likely benign. Last evaluated: 2021-12-10. Review status: criteria provided, single submitter. Criteria: LabCorp Variant Classification Summary - May 2015. Collection method: clinical testing. Allele origin: germline.

Genome-Nilou Lab
Classification: Benign for Xeroderma pigmentosum, group C. Last evaluated: 2021-12-05. Review status: criteria provided, single submitter. Criteria: ACMG Guidelines, 2015. Collection method: clinical testing. Allele origin: germline. Affected: no.

GeneDx
Classification: Benign. Last evaluated: 2019-02-11. Review status: criteria provided, single submitter. Criteria: GeneDx Variant Classification Process June 2021. Collection method: clinical testing. Allele origin: germline. Affected: yes.
Comment: This variant is associated with the following publications: (PMID: 28146470)

Illumina Laboratory Services, Illumina
Classification: Benign for Xeroderma pigmentosum, group C. Last evaluated: 2018-01-13. Review status: criteria provided, single submitter. Criteria: ICSL Variant Classification Criteria 13 December 2019. Collection method: clinical testing. Allele origin: germline.
Comment: This variant was observed in the ICSL laboratory as part of a predisposition screen in an ostensibly healthy population. It had not been previously curated by ICSL or reported in the Human Gene Mutation Database (HGMD: prior to June 1st, 2018), and was therefore a candidate for classification through an automated scoring system. Utilizing variant allele frequency, disease prevalence and penetrance estimates, and inheritance mode, an automated score was calculated to assess if this variant is too frequent to cause the disease. Based on the score and internal cut-off values, a variant classified as benign is not then subjected to further curation. The score for this variant resulted in a classification of benign for this disease.

Breakthrough Genomics
Classification: Likely benign. Review status: criteria provided, single submitter. Criteria: ACMG Guidelines, 2015. Collection method: not provided. Allele origin: germline. Inheritance: Autosomal recessive inheritance. Affected: yes.

ITMI
No classification provided. Condition: AllHighlyPenetrant. Last evaluated: 2013-09-19. Review status: no classification provided. Collection method: reference population. Allele origin: germline. Not counted in ClinVar's aggregate classification.
Comment: Please see associated publication for description of ethnicities

Genome Diagnostics Laboratory, Amsterdam University Medical Center
Classification: Benign. Review status: no assertion criteria provided. Collection method: clinical testing. Allele origin: germline. Affected: yes. Study: VKGL Data-share Consensus. Not counted in ClinVar's aggregate classification.

Laboratory of Diagnostic Genome Analysis, Leiden University Medical Center (LUMC)
Classification: Likely benign. Review status: no assertion criteria provided. Collection method: clinical testing. Allele origin: germline. Affected: yes. Study: VKGL Data-share Consensus. Not counted in ClinVar's aggregate classification.

Literature cited by the submitters: PubMed 24728327 (cited by ITMI).

NM_004628.5(XPC):c.142C>T (p.Leu48Phe)

Gene: XPC (XPC complex subunit, DNA damage recognition and repair factor; minus strand). Cytogenetic location: 3p25.1.
Variant type: single nucleotide variant.
Coding change: c.142C>T on transcript NM_004628.5 (MANE Select); coding-DNA position 142, C replaced by T.
Protein change: p.Leu48Phe; replaces leucine 48 with phenylalanine.
Molecular consequence: missense variant. On other transcripts: 5 prime UTR variant (1), non-coding transcript variant (2).
Genome position (GRCh38, 1-based): chr3:14,173,024, G>A on the plus strand (C>T on the coding strand, the complement: XPC is on the minus strand). VCF-style: chr3-14173024-G-A. GRCh37 (hg19) VCF-style: chr3-14214524-G-A.
Other names: c.-314C>T (NM_001354726.2); c.142C>T, p.Leu48Phe (NM_001354727.2, NM_001354730.2); c.124C>T, p.Leu42Phe (NM_001354729.2); short protein forms L48F, L42F.
Identifiers: ClinVar variation 135475 (VCV000135475.22), dbSNP rs2229089, ClinGen allele CA162883.